The following is an entry in ClinVar:

NM_000455.5(STK11):c.1056C>T (p.Asp352=)

Genes: STK11 (serine/threonine kinase 11; plus strand), LOC130062899 (ATAC-STARR-seq lymphoblastoid active region 13597; plus strand). Cytogenetic location: 19p13.3.
Variant type: single nucleotide variant.
Coding change: c.1056C>T on transcript NM_000455.5 (MANE Select); coding-DNA position 1056, C replaced by T.
Protein change: p.Asp352=; no amino-acid change (aspartic acid 352 retained).
Molecular consequence: synonymous variant.
Genome position (GRCh38, 1-based): chr19:1,223,120, C>T. VCF-style: chr19-1223120-C-T. GRCh37 (hg19) VCF-style: chr19-1223119-C-T.
Identifiers: ClinVar variation 184351 (VCV000184351.22), dbSNP rs768217700, ClinGen allele CA022240.

ClinVar aggregate classification (germline): Benign/Likely benign. Review status: criteria provided, multiple submitters, no conflicts (2 of 4 stars). 7 submissions from 7 submitters: Benign (1); Likely benign (6). Last evaluated 2026-01-18.

Conditions:
Hereditary cancer-predisposing syndrome. Also called: Tumor predisposition; Hereditary Cancer Syndrome; Hereditary neoplastic syndrome; Neoplastic Syndromes, Hereditary. Identifiers: Orphanet 140162, MedGen C0027672, MeSH D009386, MONDO:0015356.
Peutz-Jeghers syndrome (PJS). Also called: POLYPOSIS, HAMARTOMATOUS INTESTINAL; POLYPS-AND-SPOTS SYNDROME; Peutz-Jeghers polyposis; Periorificial lentiginosis syndrome. Identifiers: Orphanet 2869, MedGen C0031269, MeSH D010580, MONDO:0008280, OMIM 175200.

Allele frequency attached by ClinVar (database versions not stated): gnomAD exomes below 0.00001; ExAC 0.00001.
gnomAD v4.1: 5 of 1,611,758 alleles (0.00031%); highest among the groups gnomAD compares: Non-Finnish European, 0.00042%; no homozygotes.

Submissions (7):

Labcorp Genetics (formerly Invitae), Labcorp
Classification: Likely benign for Peutz-Jeghers syndrome. Last evaluated: 2026-01-18. Review status: criteria provided, single submitter. Criteria: Invitae Variant Classification Sherloc (09022015). Collection method: clinical testing. Allele origin: germline.

Myriad Genetics, Inc.
Classification: Benign for Peutz-Jeghers syndrome. Last evaluated: 2025-03-28. Review status: criteria provided, single submitter. Criteria: Myriad Autosomal Dominant, Autosomal Recessive and X-Linked Classification Criteria (2023). Collection method: clinical testing. Allele origin: unknown.
Comment: This variant is considered benign. This variant is a silent/synonymous amino acid change and it is not expected to impact splicing.

All of Us Research Program, National Institutes of Health
Classification: Likely benign for Peutz-Jeghers syndrome. Last evaluated: 2023-10-27. Review status: criteria provided, single submitter. Criteria: ACMG Guidelines, 2015. Collection method: clinical testing. Allele origin: germline. Inheritance: Autosomal dominant inheritance. Observed: 3 variant alleles, 3 heterozygotes.
Comment: This study involves interpretation of variants in research participants for the purpose of population health screening. Participant phenotype was not available at the time of variant classification. Additional details can be found in publication PMID: 35346344, PMCID: PMC8962531

Quest Diagnostics Nichols Institute San Juan Capistrano
Classification: Likely benign. Last evaluated: 2023-05-11. Review status: criteria provided, single submitter. Criteria: Quest Diagnostics criteria. Collection method: clinical testing. Allele origin: unknown.

Sema4
Classification: Likely benign for Hereditary cancer-predisposing syndrome. Last evaluated: 2021-12-07. Review status: criteria provided, single submitter. Criteria: Sema4 Curation Guidelines. Collection method: curation. Allele origin: germline.

Color Diagnostics, LLC DBA Color Health
Classification: Likely benign for Hereditary cancer-predisposing syndrome. Last evaluated: 2018-02-13. Review status: criteria provided, single submitter. Criteria: ACMG Guidelines, 2015. Collection method: clinical testing. Allele origin: germline.

Ambry Genetics
Classification: Likely benign for Hereditary cancer-predisposing syndrome. Last evaluated: 2017-07-07. Review status: criteria provided, single submitter. Criteria: Ambry Variant Classification Scheme 2023. Collection method: clinical testing. Allele origin: germline.